The following is an entry in ClinVar:

ClinVar aggregate classification (germline): Uncertain significance (0 of 4 stars; one submission).

Conditions:
TBX3-related disorder. Also called: TBX3-related condition.

gnomAD v4.1: 2 of 1,571,332 alleles (0.00013%); highest among the groups gnomAD compares: Non-Finnish European, 0.00017%; no homozygotes.

Submission:

PreventionGenetics, part of Exact Sciences
Classification: Uncertain significance for TBX3-related condition. Last evaluated: 2024-09-25. Review status: no assertion criteria provided. Collection method: clinical testing. Allele origin: germline.
Comment: The TBX3 c.1943C>T variant is predicted to result in the amino acid substitution p.Pro648Leu. To our knowledge, this variant has not been reported in the literature or in a large population database, indicating this variant is rare. At this time, the clinical significance of this variant is uncertain due to the absence of conclusive functional and genetic evidence.

NM_005996.4(TBX3):c.1883C>T (p.Pro628Leu)

Gene: TBX3 (T-box transcription factor 3; minus strand). Cytogenetic location: 12q24.21.
Variant type: single nucleotide variant.
Coding change: c.1883C>T on transcript NM_005996.4 (MANE Select); coding-DNA position 1883, C replaced by T.
Protein change: p.Pro628Leu; replaces proline 628 with leucine.
Molecular consequence: missense variant.
Genome position (GRCh38, 1-based): chr12:114,672,130, G>A on the plus strand (C>T on the coding strand, the complement: TBX3 is on the minus strand). VCF-style: chr12-114672130-G-A. GRCh37 (hg19) VCF-style: chr12-115109935-G-A.
Other names: c.1943C>T, p.Pro648Leu (NM_016569.4); short protein forms P628L, P648L.
Identifiers: ClinVar variation 3346119 (VCV003346119.1).